The following is an entry in ClinVar:

NM_001386140.1(MTTP):c.2041G>A (p.Glu681Lys)

Gene: MTTP (microsomal triglyceride transfer protein; plus strand). Cytogenetic location: 4q23.
Variant type: single nucleotide variant.
Coding change: c.2041G>A on transcript NM_001386140.1 (MANE Select); coding-DNA position 2041, G replaced by A.
Protein change: p.Glu681Lys; replaces glutamic acid 681 with lysine.
Molecular consequence: missense variant.
Genome position (GRCh38, 1-based): chr4:99,612,964, G>A. VCF-style: chr4-99612964-G-A. GRCh37 (hg19) VCF-style: chr4-100534121-G-A.
Other names: c.2041G>A, p.Glu681Lys (NM_000253.4); c.1792G>A, p.Glu598Lys (NM_001300785.2); short protein forms E681K, E598K.
Identifiers: ClinVar variation 347041 (VCV000347041.11), dbSNP rs886058958, ClinGen allele CA10622075.

ClinVar aggregate classification (germline): Uncertain significance. Review status: criteria provided, multiple submitters, no conflicts (2 of 4 stars). 3 submissions from 3 submitters: Uncertain significance (2). 1 of the submissions does not count toward it. Last evaluated 2022-03-20.

Conditions:
Abetalipoproteinaemia (ABL). Also called: MTP DEFICIENCY; Abetalipoproteinemia; Abetalipoproteinemia neuropathy; Apolipoprotein B deficiency; Congenital betalipoprotein deficiency syndrome. Identifiers: Orphanet 14, MedGen C0000744, MONDO:0008692, OMIM 200100, HP:0008181.

Allele frequency attached by ClinVar (database versions not stated): gnomAD exomes below 0.00001; gnomAD 0.00001; TOPMed 0.00001.
gnomAD v4.1: 5 of 1,613,898 alleles (0.00031%); highest among the groups gnomAD compares: African/African-American, 0.0027%; no homozygotes.

Submissions (3):

Labcorp Genetics (formerly Invitae), Labcorp
Classification: Uncertain significance. Last evaluated: 2022-03-20. Review status: criteria provided, single submitter. Criteria: Invitae Variant Classification Sherloc (09022015). Collection method: clinical testing. Allele origin: germline.
Comment: This sequence change replaces glutamic acid, which is acidic and polar, with lysine, which is basic and polar, at codon 681 of the MTTP protein (p.Glu681Lys). This variant is present in population databases (no rsID available, gnomAD 0.0009%). This variant has not been reported in the literature in individuals affected with MTTP-related conditions. ClinVar contains an entry for this variant (Variation ID: 347041). Algorithms developed to predict the effect of missense changes on protein structure and function are either unavailable or do not agree on the potential impact of this missense change (SIFT: "Tolerated"; PolyPhen-2: "Possibly Damaging"; Align-GVGD: "Class C0"). In summary, the available evidence is currently insufficient to determine the role of this variant in disease. Therefore, it has been classified as a Variant of Uncertain Significance.

Illumina Laboratory Services, Illumina
Classification: Uncertain significance for Abetalipoproteinaemia. Last evaluated: 2018-01-13. Review status: criteria provided, single submitter. Criteria: ICSL Variant Classification Criteria 13 December 2019. Collection method: clinical testing. Allele origin: germline.

Natera, Inc.
Classification: Uncertain significance for Abetalipoproteinemia. Last evaluated: 2020-12-01. Review status: no assertion criteria provided. Collection method: clinical testing. Allele origin: germline. Not counted in ClinVar's aggregate classification.